The following is an entry in ClinVar:

NM_005807.6(PRG4):c.3660del (p.Asn1221fs)

Gene: PRG4 (proteoglycan 4; plus strand). Cytogenetic location: 1q31.1.
Variant type: Deletion.
Coding change: c.3660del on transcript NM_005807.6 (MANE Select); coding-DNA position 3660, one base deleted (C; older notation c.3660delC).
Protein change: p.Asn1221fs; shifts the reading frame from asparagine 1221.
Molecular consequence: frameshift variant.
Genome position (GRCh38, 1-based): chr1:186,311,463, C deleted; the last of 2 consecutive C bases (chr1:186,311,462-186,311,463); deleting either gives the same sequence. VCF-style (leftmost placement, unchanged base first): chr1-186311461-AC-A. GRCh37 (hg19) VCF-style: chr1-186280593-AC-A.
Other names: c.3537del, p.Asn1180fs (NM_001127708.3); c.3381del, p.Asn1128fs (NM_001127709.3); c.3258del, p.Asn1087fs (NM_001127710.3); c.3531del, p.Asn1178fs (NM_001303232.2); short protein forms N1087fs, N1128fs, N1178fs, N1180fs, N1221fs.
Identifiers: ClinVar variation 986019 (VCV000986019.4), dbSNP rs1369814055, ClinGen allele CA728679120.

ClinVar aggregate classification (germline): Pathogenic (1 of 4 stars; one submission).

Conditions:
Inborn genetic diseases. Identifiers: MedGen C0950123, MeSH D030342.

Submission:

Ambry Genetics
Classification: Pathogenic for Inborn genetic diseases. Last evaluated: 2020-01-07. Review status: criteria provided, single submitter. Criteria: Ambry Variant Classification Scheme 2023. Collection method: clinical testing. Allele origin: germline.
Comment: The alteration results in a premature stop codon: _x000D_ _x000D_ The c.3660delC (p.N1221Mfs*3) alteration, located in exon 10 (coding exon 9) of the PRG4 gene, results from a deletion of one nucleotide at position 3660, causing a translational frameshift with a predicted alternate stop codon after 3 amino acids. This alteration is expected to result in loss of function by premature protein truncation or nonsense-mediated mRNA decay. The alteration is not observed in population databases: _x000D_ _x000D_ Based on data from the Genome Aggregation Database (gnomAD), the PRG4 c.3660delC alteration was not observed, with coverage at this position. Based on the available evidence, this alteration is classified as pathogenic.